The following is an entry in ClinVar:

ClinVar aggregate classification (germline): Pathogenic (1 of 4 stars; one submission).

gnomAD v4.1: 2 of 1,614,114 alleles (0.00012%); highest among the groups gnomAD compares: Non-Finnish European, 0.00017%; no homozygotes.

Submission:

GeneDx
Classification: Pathogenic. Last evaluated: 2024-03-08. Review status: criteria provided, single submitter. Criteria: GeneDx Variant Classification Process June 2021. Collection method: clinical testing. Allele origin: germline. Affected: yes.
Comment: Not observed at significant frequency in large population cohorts (gnomAD); In silico analysis supports that this missense variant has a deleterious effect on protein structure/function; This variant is associated with the following publications: (PMID: 33057194, 35982159, 32355762)

NM_022552.5(DNMT3A):c.1628G>A (p.Gly543Asp)

Gene: DNMT3A (DNA methyltransferase 3 alpha; minus strand). Cytogenetic location: 2p23.3.
Variant type: single nucleotide variant.
Coding change: c.1628G>A on transcript NM_022552.5 (MANE Select); coding-DNA position 1628, G replaced by A.
Protein change: p.Gly543Asp; replaces glycine 543 with aspartic acid.
Molecular consequence: missense variant. On other transcripts: non-coding transcript variant (1).
Genome position (GRCh38, 1-based): chr2:25,244,579, C>T on the plus strand (G>A on the coding strand, the complement: DNMT3A is on the minus strand). VCF-style: chr2-25244579-C-T. GRCh37 (hg19) VCF-style: chr2-25467448-C-T.
Other names: c.1628G>A, p.Gly543Asp (NM_175629.2); c.1172G>A, p.Gly391Asp (NM_001320893.1); c.959G>A, p.Gly320Asp (NM_001375819.1); c.1061G>A, p.Gly354Asp (NM_153759.3); short protein forms G354D, G543D, G391D, G320D.
Identifiers: ClinVar variation 420791 (VCV000420791.3), dbSNP rs767226511, ClinGen allele CA16617515.